The following continues an entry in ClinVar:

NM_021628.3(ALOXE3):c.1889C>T (p.Pro630Leu)

Gene: ALOXE3. ClinVar aggregate classification (germline): Pathogenic/Likely pathogenic. Pathogenic (17); Likely pathogenic (1).

Submissions 13 to 23 of 23:

Women's Health and Genetics/Laboratory Corporation of America, LabCorp
Classification: Pathogenic for Lamellar ichthyosis. Last evaluated: 2022-02-21. Review status: criteria provided, single submitter. Criteria: LabCorp Variant Classification Summary - May 2015. Collection method: clinical testing. Allele origin: germline.
Comment: Variant summary: ALOXE3 c.1889C>T (p.Pro630Leu) results in a non-conservative amino acid change located in the Lipoxygenase, C-terminal domain (IPR013819) of the encoded protein sequence. Five of five in-silico tools predict a damaging effect of the variant on protein function. The variant allele was found at a frequency of 0.001 in 251454 control chromosomes. The observed variant frequency is approximately 1.5 fold of our estimated maximal expected allele frequency for a pathogenic variant in ALOXE3 causing Lamellar Ichthyosis phenotype (0.00071). However, c.1889C>T has been reported in the literature as homozygous and compound heterozygous genotypes in multiple individuals affected with Autosomal Recessive, Ichthyosis (example, Eckl_2005, Li_2012, Pigg_2016, Diociaiuti_2016, Vahlquist_2010). These data indicate that the variant is very likely to be associated with disease. At least one publication reports experimental evidence evaluating an impact on protein function. The most pronounced variant effect results in complete loss of normal epidermal lipoxygenase activity (example, Eckl_2005). Seven clinical diagnostic laboratories have submitted clinical-significance assessments for this variant to ClinVar after 2014 without evidence for independent evaluation. All laboratories classified the variant as pathogenic. Based on the evidence outlined above, the variant was classified as pathogenic.

GeneDx
Classification: Pathogenic. Last evaluated: 2021-02-22. Review status: criteria provided, single submitter. Criteria: GeneDx Variant Classification Process June 2021. Collection method: clinical testing. Allele origin: germline. Affected: yes.
Comment: One of the more common ALOXE3 variants, which is typically associated with a collodion membrane presentation at birth when homozygous; one patient compound heterozygous for P630L and a loss-of-function variant exhibited self-improving collodion ichthyosis (Vahlquist et al., 2010); Published functional studies demonstrate that P630L results in complete loss of eLOX-3 enzymatic activity (Eckl et al., 2005); This variant is associated with the following publications: (PMID: 31168818, 19890349, 31980526, 27025581, 16116617, 19131948, 30609409)

Cambridge Genomics Laboratory, East Genomic Laboratory Hub, NHS Genomic Medicine Service
Classification: Pathogenic for Autosomal recessive congenital ichthyosis. Last evaluated: 2019-09-26. Review status: criteria provided, single submitter. Criteria: ACGS Best Practice Guidelines for Variant Classification in Rare Disease 2020. Collection method: clinical testing. Allele origin: germline. Affected: yes. Observed: 1 variant allele.

Knight Diagnostic Laboratories, Oregon Health and Sciences University
Classification: Pathogenic for Ichthyosis, congenital, autosomal recessive 3. Last evaluated: 2019-02-22. Review status: criteria provided, single submitter. Criteria: ACMG Guidelines, 2015. Collection method: clinical testing. Allele origin: germline. Observed: 1 variant allele.

Illumina Laboratory Services, Illumina
Classification: Pathogenic for Autosomal recessive congenital ichthyosis 3. Last evaluated: 2018-09-20. Review status: criteria provided, single submitter. Criteria: ICSL Variant Classification Criteria 09 May 2019. Collection method: clinical testing. Allele origin: germline.
Comment: The ALOXE3 c.1889C>T (p.Pro630Leu) variant has been reported in four studies and is found in a total of 20 individuals with congenital ichthyosis including eight in a homozygous state and 12 in a compound heterozygous state (Eckl et al. 2005, Eckl et al. 2009, Vahlquist et al. 2010, Buckova et al. 2015). The p.Pro630Leu variant was absent from 290 controls and is reported at a frequency of 0.00157 in the European (non-Finnish) population of the Exome Aggregation Consortium. Eckl et al. (2005) demonstrated that HEK-293 cells expressing the p.Pro630Leu variant showed a complete loss of enzyme activity. Based on the collective evidence, the p.Pro630Leu variant is classified as pathogenic for autosomal recessive congenital ichthyosis. This variant was observed by ICSL as part of a predisposition screen in an ostensibly healthy population.

Laboratory for Molecular Medicine, Mass General Brigham Personalized Medicine
Classification: Pathogenic for Autosomal recessive congenital ichthyosis. Last evaluated: 2017-09-26. Review status: criteria provided, single submitter. Criteria: LMM Criteria. Collection method: clinical testing. Allele origin: germline. Inheritance: Autosomal recessive inheritance. Observed: 1 variant allele.
Comment: The p.Pro762Leu variant in ALOXE3 (also referred to as NM_021628.2: p.Pro630Leu) has been reported in at least 6 homozygous and 10 compound heterozygous individ uals with autosomal recessive congenital icthyosis (Eckl 2005, Eckl 2009, Wang 2 015, Pigg 2016, and Diociaiuti 2016), and this variant also segregated in 4 indi viduals from 2 families (Eckl 2005). This variant has also been reported in Clin Var (Variation ID#279677). In vitro functional studies suggest the variant impac ts enzymatic function; however, these types of assays may not accurately represe nt biological function (Eckl 2005). This variant has been identified in 0.213% ( 270/126674) of European chromosomes by the Genome Aggregation Database (gnomAD; dbSNP rs147149459). Although this variant has been seen in the general population, its frequency is low enough to be consisten t with a recessive carrier frequency. In summary, this variant meets criteria to be classified as pathogenic for congenital icthyosis in an autosomal recessive manner based upon segregation studies, functional evidence, and its biallelic oc currence in individuals with this disease.

Institute for Human Genetics, University Medical Center Freiburg
Classification: Pathogenic for Autosomal recessive congenital ichthyosis 3. Last evaluated: 2021-01-07. Review status: no assertion criteria provided. Collection method: clinical testing. Allele origin: unknown. Affected: yes. Not counted in ClinVar's aggregate classification.

OMIM
Classification: Pathogenic for ICHTHYOSIS, CONGENITAL, AUTOSOMAL RECESSIVE 3. Last evaluated: 2009-06-01. Review status: no assertion criteria provided. Collection method: literature only. Allele origin: germline. Not counted in ClinVar's aggregate classification.

Diagnostic Laboratory, Department of Genetics, University Medical Center Groningen
Classification: Pathogenic. Review status: no assertion criteria provided. Collection method: clinical testing. Allele origin: germline. Affected: yes. Study: VKGL Data-share Consensus. Not counted in ClinVar's aggregate classification.

Genome Diagnostics Laboratory, University Medical Center Utrecht
Classification: Pathogenic. Review status: no assertion criteria provided. Collection method: clinical testing. Allele origin: germline. Affected: yes. Study: VKGL Data-share Consensus. Not counted in ClinVar's aggregate classification.

Joint Genome Diagnostic Labs from Nijmegen and Maastricht, Radboudumc and MUMC+
Classification: Pathogenic. Review status: no assertion criteria provided. Collection method: clinical testing. Allele origin: germline. Affected: yes. Study: VKGL Data-share Consensus. Not counted in ClinVar's aggregate classification.

Literature cited by the submitters: PubMed 16116617 (cited by 8 submitters); PubMed 19131948 (cited by 6 submitters); PubMed 19890349 (cited by 5 submitters); PubMed 22622417 (cited by 4 submitters); PubMed 27025581 (cited by 5 submitters); PubMed 26762237 (cited by Women's Health and Genetics/Laboratory Corporation of America, LabCorp and Laboratory for Molecular Medicine, Mass General Brigham Personalized Medicine); PubMed 25998749 (cited by Illumina Laboratory Services, Illumina); PubMed 26370990 (cited by Laboratory for Molecular Medicine, Mass General Brigham Personalized Medicine); PubMed 11398099 (cited by OMIM).